The following is an entry in ClinVar:

ClinVar aggregate classification (germline): Likely pathogenic (1 of 4 stars; one submission).

Conditions:
EDA-related disorder. Also called: EDA-related condition; EDA-related disorders.

Submission:

PreventionGenetics, part of Exact Sciences
Classification: Likely pathogenic for EDA-related condition. Last evaluated: 2024-12-12. Review status: criteria provided, single submitter. Criteria: ACMG Guidelines, 2015. Collection method: clinical testing. Allele origin: germline.
Comment: The EDA c.928T>C variant is predicted to result in the amino acid substitution p.Tyr310His. To our knowledge, this variant has not been reported in the literature or in a large population database (gnomAD), indicating this variant is rare. This variant segregated with disease in the affected members of a family with ectodermal dysplasia (Internal Data, PreventionGenetics). A different nucleotide change affecting the same amino acid (c.929A>G, p.Tyr310Cys) has been reported as maternally inherited in an individual with hypohidrotic ectodermal dysplasia along with a heterozygous pathogenic variant in WNT10A gene (Table 3, Parker et al. 2021. PubMed ID: 33502802). In summary, the c.928T>C (p.Tyr310His) variant is interpreted as likely pathogenic.

NM_001399.5(EDA):c.928T>C (p.Tyr310His)

Gene: EDA (ectodysplasin A; plus strand). Cytogenetic location: Xq13.1.
Variant type: single nucleotide variant.
Coding change: c.928T>C on transcript NM_001399.5 (MANE Select); coding-DNA position 928, T replaced by C.
Protein change: p.Tyr310His; replaces tyrosine 310 with histidine.
Molecular consequence: missense variant.
Genome position (GRCh38, 1-based): chrX:70,035,361, T>C. VCF-style: chrX-70035361-T-C. GRCh37 (hg19) VCF-style: chrX-69255211-T-C.
Other names: c.922T>C, p.Tyr308His (NM_001005609.2); c.913T>C, p.Tyr305His (NM_001005612.3); short protein forms Y305H, Y308H, Y310H.
Identifiers: ClinVar variation 3344054 (VCV003344054.2).
Genomic context (GRCh38, chrX:70,035,361, plus strand): 5'-GCCCCCCACCCTCTCTTTCCTCTCTTCCCCAATCCCTTCTTGTTGCCTCTCACTCAGGTA[T>C]ACTACATCAACTTCACTGACTTTGCCAGCTATGAGGTGGTGGTGGATGAGAAGCCCTTCC-3'
Protein context (NP_001390.1, residues 300-320): TYFIYSQVEV[Tyr310His]YINFTDFASY